The following is an entry in ClinVar:

NM_181426.2(CCDC39):c.1797A>C (p.Arg599=)

Gene: CCDC39 (coiled-coil domain 39 molecular ruler complex subunit; minus strand). Cytogenetic location: 3q26.33.
Variant type: single nucleotide variant.
Coding change: c.1797A>C on transcript NM_181426.2 (MANE Select); coding-DNA position 1797, A replaced by C.
Protein change: p.Arg599=; no amino-acid change (arginine 599 retained).
Molecular consequence: synonymous variant.
Genome position (GRCh38, 1-based): chr3:180,642,070, T>G on the plus strand (A>C on the coding strand, the complement: CCDC39 is on the minus strand). VCF-style: chr3-180642070-T-G. GRCh37 (hg19) VCF-style: chr3-180359858-T-G.
Identifiers: ClinVar variation 1780274 (VCV001780274.10), dbSNP rs114128856, ClinGen allele CA2715869.
Genomic context (GRCh38, chr3:180,642,070, plus strand): 5'-TTGATCAACATATCTTATTTGTGACGCAAGCATTGTTTTATGAACCTTGATTTCTTCAGT[T>G]CGCTCTTCCATTGCTGTGTATAATTGCTGTTTTCTTTTTTCTAGGGAAAGAACTTCTTCT-3'
Protein context (NP_852091.1, residues 589-609): KQQLYTAMEE[Arg599=]TEEIKVHKTM

ClinVar aggregate classification (germline): Likely benign. Review status: criteria provided, multiple submitters, no conflicts (2 of 4 stars). 4 submissions from 4 submitters: Likely benign (3). 1 of the submissions does not count toward it. Last evaluated 2025-10-29.

Conditions:
Primary ciliary dyskinesia. Also called: Ciliary dyskinesia. Identifiers: Orphanet 244, MedGen C0008780, MONDO:0016575, HP:0012265.
CCDC39-related disorder. Also called: CCDC39-related condition.

Allele frequency attached by ClinVar (database versions not stated): gnomAD exomes 0.00003; ExAC 0.00009; gnomAD 0.00030; ESP Exome Variant Server 0.00034; TOPMed 0.00034; 1000 Genomes Project 0.00060; 1000 Genomes Project 30x 0.00094.
gnomAD v4.1: 89 of 1,612,774 alleles (0.0055%); highest among the groups gnomAD compares: African/African-American, 0.11%; no homozygotes.

Submissions (4):

Labcorp Genetics (formerly Invitae), Labcorp
Classification: Likely benign for Primary ciliary dyskinesia. Last evaluated: 2025-10-29. Review status: criteria provided, single submitter. Criteria: Invitae Variant Classification Sherloc (09022015). Collection method: clinical testing. Allele origin: germline.

Blueprint Genetics
Classification: Likely benign. Last evaluated: 2024-08-15. Review status: criteria provided, single submitter. Criteria: ACMG Guidelines, 2015. Collection method: clinical testing. Allele origin: germline.

Ambry Genetics
Classification: Likely benign for Primary ciliary dyskinesia. Last evaluated: 2016-08-30. Review status: criteria provided, single submitter. Criteria: Ambry Variant Classification Scheme 2023. Collection method: clinical testing. Allele origin: germline.

PreventionGenetics, part of Exact Sciences
Classification: Likely benign for CCDC39-related condition. Last evaluated: 2023-12-28. Review status: no assertion criteria provided. Collection method: clinical testing. Allele origin: germline. Not counted in ClinVar's aggregate classification.
Comment: This variant is classified as likely benign based on ACMG/AMP sequence variant interpretation guidelines (Richards et al. 2015 PMID: 25741868, with internal and published modifications).